The following is an entry in ClinVar:

NM_001035.3(RYR2):c.9312G>C (p.Met3104Ile)

Gene: RYR2 (ryanodine receptor 2; plus strand). Cytogenetic location: 1q43.
Variant type: single nucleotide variant.
Coding change: c.9312G>C on transcript NM_001035.3 (MANE Select); coding-DNA position 9312, G replaced by C.
Protein change: p.Met3104Ile; replaces methionine 3104 with isoleucine.
Molecular consequence: missense variant.
Genome position (GRCh38, 1-based): chr1:237,700,412, G>C. VCF-style: chr1-237700412-G-C. GRCh37 (hg19) VCF-style: chr1-237863712-G-C.
Other names: short protein forms M3104I.
Identifiers: ClinVar variation 956357 (VCV000956357.11), dbSNP rs1687864137, ClinGen allele CA345406147.

ClinVar aggregate classification (germline): Uncertain significance (1 of 4 stars; one submission).

Conditions:
Catecholaminergic polymorphic ventricular tachycardia 1. Also called: VENTRICULAR TACHYCARDIA, STRESS-INDUCED POLYMORPHIC 1; RYR2-Related Catecholaminergic Polymorphic Ventricular Tachycardia; VENTRICULAR TACHYCARDIA, CATECHOLAMINERGIC POLYMORPHIC, 1, WITH OR WITHOUT ATRIAL DYSFUNCTION AND/OR DILATED CARDIOMYOPATHY. Identifiers: Orphanet 3286, MedGen C1631597, MONDO:0011484, OMIM 604772.

Submission:

Labcorp Genetics (formerly Invitae), Labcorp
Classification: Uncertain significance for Catecholaminergic polymorphic ventricular tachycardia 1. Last evaluated: 2022-03-13. Review status: criteria provided, single submitter. Criteria: Invitae Variant Classification Sherloc (09022015). Collection method: clinical testing. Allele origin: germline.
Comment: In summary, the available evidence is currently insufficient to determine the role of this variant in disease. Therefore, it has been classified as a Variant of Uncertain Significance. Advanced modeling of protein sequence and biophysical properties (such as structural, functional, and spatial information, amino acid conservation, physicochemical variation, residue mobility, and thermodynamic stability) performed at Invitae indicates that this missense variant is not expected to disrupt RYR2 protein function. ClinVar contains an entry for this variant (Variation ID: 956357). This variant has not been reported in the literature in individuals affected with RYR2-related conditions. This variant is not present in population databases (gnomAD no frequency). This sequence change replaces methionine, which is neutral and non-polar, with isoleucine, which is neutral and non-polar, at codon 3104 of the RYR2 protein (p.Met3104Ile).